The following is an entry in ClinVar:

NM_001830.4(CLCN4):c.2031G>A (p.Thr677=)

Gene: CLCN4 (Cl-/H+ antiporter 4; plus strand). Cytogenetic location: Xp22.2.
Variant type: single nucleotide variant.
Coding change: c.2031G>A on transcript NM_001830.4 (MANE Select); coding-DNA position 2031, G replaced by A.
Protein change: p.Thr677=; no amino-acid change (threonine 677 retained).
Molecular consequence: synonymous variant.
Genome position (GRCh38, 1-based): chrX:10,220,716, G>A. VCF-style: chrX-10220716-G-A. GRCh37 (hg19) VCF-style: chrX-10188756-G-A.
Other names: c.1749G>A, p.Thr583= (NM_001256944.2).
Identifiers: ClinVar variation 697014 (VCV000697014.38), dbSNP rs149158671, ClinGen allele CA10347332.

ClinVar aggregate classification (germline): Benign/Likely benign. Review status: criteria provided, multiple submitters, no conflicts (2 of 4 stars). 4 submissions from 4 submitters: Benign (2); Likely benign (1). 1 of the submissions does not count toward it. Last evaluated 2026-03-01.

Conditions:
CLCN4-related disorder. Identifiers: MedGen CN232948.

Allele frequency attached by ClinVar (database versions not stated): gnomAD exomes 0.00029; ExAC 0.00045; gnomAD 0.00088 and 0.00092; ESP Exome Variant Server 0.00095; TOPMed 0.00116; 1000 Genomes Project 0.00159; 1000 Genomes Project 30x 0.00187.
gnomAD v4.1: 212 of 1,209,640 alleles (0.018%); highest among the groups gnomAD compares: African/African-American, 0.31%; no homozygotes.

Submissions (5):

CeGaT Center for Human Genetics Tuebingen
Classification: Likely benign. Last evaluated: 2026-03-01. Review status: criteria provided, single submitter. Criteria: CeGaT Center For Human Genetics Tuebingen Variant Classification Criteria Version 2. Collection method: clinical testing. Allele origin: germline. Affected: yes. Observed: 2 variant alleles.
Comment: CLCN4: PP3, BS2

Labcorp Genetics (formerly Invitae), Labcorp
Classification: Benign. Last evaluated: 2026-01-26. Review status: criteria provided, single submitter. Criteria: Invitae Variant Classification Sherloc (09022015). Collection method: clinical testing. Allele origin: germline.

GeneDx
Classification: Benign. Last evaluated: 2019-03-05. Review status: criteria provided, single submitter. Criteria: GeneDx Variant Classification Process June 2021. Collection method: clinical testing. Allele origin: germline. Affected: yes.

PreventionGenetics, part of Exact Sciences
Classification: Likely benign for CLCN4-related condition. Last evaluated: 2024-05-08. Review status: no assertion criteria provided. Collection method: clinical testing. Allele origin: germline. Not counted in ClinVar's aggregate classification.
Comment: This variant is classified as likely benign based on ACMG/AMP sequence variant interpretation guidelines (Richards et al. 2015 PMID: 25741868, with internal and published modifications).

Dr. Peter K. Rogan Lab, Western University
No classification provided (evidence only). Condition: Thyroid cancer, nonmedullary, 1. Review status: no classification provided. Collection method: in vitro. Allele origin: not applicable. Functional consequence: retained intron. Not counted in ClinVar's aggregate classification.